The following is an entry in ClinVar:

NM_003630.3(PEX3):c.416A>G (p.Tyr139Cys)

Gene: PEX3 (peroxisomal biogenesis factor 3; plus strand). Cytogenetic location: 6q24.2.
Variant type: single nucleotide variant.
Coding change: c.416A>G on transcript NM_003630.3 (MANE Select); coding-DNA position 416, A replaced by G.
Protein change: p.Tyr139Cys; replaces tyrosine 139 with cysteine.
Molecular consequence: missense variant.
Genome position (GRCh38, 1-based): chr6:143,471,045, A>G. VCF-style: chr6-143471045-A-G. GRCh37 (hg19) VCF-style: chr6-143792182-A-G.
Other names: c.416A>G (NM_003630.2); short protein forms Y139C.
Identifiers: ClinVar variation 2087663 (VCV002087663.2), dbSNP rs750407189, ClinGen allele CA4029558.

ClinVar aggregate classification (germline): Uncertain significance. Review status: criteria provided, multiple submitters, no conflicts (2 of 4 stars). 2 submissions from 2 submitters: Uncertain significance (2). Last evaluated 2025-05-20.

Conditions:
Inborn genetic diseases. Identifiers: MedGen C0950123, MeSH D030342.

Allele frequency attached by ClinVar (database versions not stated): ExAC 0.00001; TOPMed 0.00002; gnomAD 0.00001; gnomAD exomes 0.00001.
gnomAD v4.1: 19 of 1,613,202 alleles (0.0012%); highest among the groups gnomAD compares: Non-Finnish European, 0.0016%; no homozygotes.

Submissions (2):

Ambry Genetics
Classification: Uncertain significance for Inborn genetic diseases. Last evaluated: 2025-05-20. Review status: criteria provided, single submitter. Criteria: Ambry Variant Classification Scheme 2023. Collection method: clinical testing. Allele origin: germline.

Labcorp Genetics (formerly Invitae), Labcorp
Classification: Uncertain significance. Last evaluated: 2022-05-15. Review status: criteria provided, single submitter. Criteria: Invitae Variant Classification Sherloc (09022015). Collection method: clinical testing. Allele origin: germline.
Comment: This sequence change replaces tyrosine, which is neutral and polar, with cysteine, which is neutral and slightly polar, at codon 139 of the PEX3 protein (p.Tyr139Cys). This variant is present in population databases (rs750407189, gnomAD 0.0009%). This variant has not been reported in the literature in individuals affected with PEX3-related conditions. Algorithms developed to predict the effect of missense changes on protein structure and function (SIFT, PolyPhen-2, Align-GVGD) all suggest that this variant is likely to be disruptive. In summary, the available evidence is currently insufficient to determine the role of this variant in disease. Therefore, it has been classified as a Variant of Uncertain Significance.